The following is an entry in ClinVar:

ClinVar aggregate classification (germline): Pathogenic/Likely pathogenic. Review status: criteria provided, multiple submitters, no conflicts (2 of 4 stars). 5 submissions from 5 submitters: Pathogenic (4); Likely pathogenic (1). Last evaluated 2024-06-15.

Conditions:
Primary interstitial lung disease specific to childhood due to pulmonary surfactant protein anomalies. Identifiers: Orphanet 100049, MedGen C5680383, MONDO:0015052.
Hereditary pulmonary alveolar proteinosis. Also called: Pulmonary surfactant metabolism dysfunction. Identifiers: Orphanet 264675, MedGen C3711368, MONDO:0012580.
Interstitial lung disease due to ABCA3 deficiency. Also called: PULMONARY ALVEOLAR PROTEINOSIS, CONGENITAL, 3. Identifiers: Orphanet 440402, MedGen C1970456, MONDO:0012582, OMIM 610921.

Allele frequency attached by ClinVar (database versions not stated): ExAC 0.00001; gnomAD 0.00002; gnomAD exomes 0.00002; TOPMed 0.00003.

Submissions (5):

Fulgent Genetics
Classification: Likely pathogenic for Interstitial lung disease due to ABCA3 deficiency. Last evaluated: 2024-06-15. Review status: criteria provided, single submitter. Criteria: ACMG Guidelines, 2015. Collection method: clinical testing. Allele origin: germline.

Labcorp Genetics (formerly Invitae), Labcorp
Classification: Pathogenic. Last evaluated: 2023-10-11. Review status: criteria provided, single submitter. Criteria: Invitae Variant Classification Sherloc (09022015). Collection method: clinical testing. Allele origin: germline.
Comment: This sequence change replaces arginine, which is basic and polar, with histidine, which is basic and polar, at codon 43 of the ABCA3 protein (p.Arg43His). This variant is present in population databases (rs754714105, gnomAD 0.01%). This missense change has been observed in individuals with autosomal recessive childhood interstitial lung disease (PMID: 18024538, 24871971). ClinVar contains an entry for this variant (Variation ID: 228321). Advanced modeling of protein sequence and biophysical properties (such as structural, functional, and spatial information, amino acid conservation, physicochemical variation, residue mobility, and thermodynamic stability) performed at Invitae indicates that this missense variant is expected to disrupt ABCA3 protein function. This variant disrupts the p.Arg43 amino acid residue in ABCA3. Other variant(s) that disrupt this residue have been observed in individuals with ABCA3-related conditions (PMID: 22337229, 24871971), which suggests that this may be a clinically significant amino acid residue. For these reasons, this variant has been classified as Pathogenic.

Ambry Genetics
Classification: Pathogenic for Hereditary pulmonary alveolar proteinosis. Last evaluated: 2022-10-08. Review status: criteria provided, single submitter. Criteria: Ambry Variant Classification Scheme 2023. Collection method: clinical testing. Allele origin: germline.
Comment: The p.R43H pathogenic mutation (also known as c.128G>A), located in coding exon 2 of the ABCA3 gene, results from a G to A substitution at nucleotide position 128. The arginine at codon 43 is replaced by histidine, an amino acid with highly similar properties. This alteration has been detected in the homozygous state or in conjunction with other ABCA3 disease-causing variants in multiple individuals with ABCA3-related surfactant dysfunction (Doan ML et al. Thorax, 2008 Apr;63:366-73; Agrawal A et al. Pediatr Res, 2012 Jun;71:633-7; Wambach JA et al. Am J Respir Crit Care Med, 2014 Jun;189:1538-43; Ambry internal data). This variant is considered to be rare based on population cohorts in the Genome Aggregation Database (gnomAD). Based on the supporting evidence, this alteration is interpreted as a disease-causing mutation.

Johns Hopkins Genomics, Johns Hopkins University
Classification: Pathogenic for Interstitial lung disease due to ABCA3 deficiency. Last evaluated: 2021-12-06. Review status: criteria provided, single submitter. Criteria: ACMG Guidelines, 2015. Collection method: clinical testing. Allele origin: germline.

Laboratory for Molecular Medicine, Mass General Brigham Personalized Medicine
Classification: Pathogenic for Primary interstitial lung disease specific to childhood due to pulmonary surfactant protein anomalies. Last evaluated: 2015-02-26. Review status: criteria provided, single submitter. Criteria: LMM Criteria. Collection method: clinical testing. Allele origin: germline. Inheritance: Autosomal recessive inheritance. Observed: 1 variant allele.
Comment: The p.Arg43His variant in ABCA3 has been previously reported in 1 homozygous inf ant with interstitial lung disease (ILD) and in 3 compound heterozygous infants/ children with ILD (Doan 2008, Agrawal 2012, Wambach 2014). In addition, two othe r variants at this codon (p.Arg43Leu and p.Arg43Cys) have each been reported in 2 compound heterozygous children with ILD and one of these variants (p.Arg43Cys) segregated with disease in an affected relative, suggesting that changes to thi s residue are not tolerated (Brasch 2006, Garmany 2006, Agrawal 2012, Wambach 20 14). The p.Arg43His variant has been identified in 1/66674 European chromosomes by the Exome Aggregation Consortium (ExAC). Alth ough this variant has been seen in the general population, its frequency is low enough to be consistent with a recessive carrier frequency. Computational predic tion tools and conservation analysis do not provide strong support for or agains t an impact the protein. In summary, this variant meets our criteria to be class ified as pathogenic for ILD in an autosomal recessive manner(.org/personalizedmedicine/LMM).

Literature cited by the submitters: PubMed 18024538 (cited by 4 submitters); PubMed 24871971 (cited by 4 submitters); PubMed 22337229 (cited by 4 submitters); PubMed 16728712 (cited by Johns Hopkins Genomics, Johns Hopkins University and Laboratory for Molecular Medicine, Mass General Brigham Personalized Medicine); PubMed 26517903 (cited by Johns Hopkins Genomics, Johns Hopkins University); PubMed 16641205 (cited by Laboratory for Molecular Medicine, Mass General Brigham Personalized Medicine).

NM_001089.3(ABCA3):c.128G>A (p.Arg43His)

Gene: ABCA3 (ATP binding cassette subfamily A member 3; minus strand). Cytogenetic location: 16p13.3.
Variant type: single nucleotide variant.
Coding change: c.128G>A on transcript NM_001089.3 (MANE Select); coding-DNA position 128, G replaced by A.
Protein change: p.Arg43His; replaces arginine 43 with histidine.
Molecular consequence: missense variant.
Genome position (GRCh38, 1-based): chr16:2,326,201, C>T on the plus strand (G>A on the coding strand, the complement: ABCA3 is on the minus strand). VCF-style: chr16-2326201-C-T. GRCh37 (hg19) VCF-style: chr16-2376202-C-T.
Other names: short protein forms R43H.
Identifiers: ClinVar variation 228321 (VCV000228321.11), dbSNP rs754714105, ClinGen allele CA7841779.